The following is an entry in ClinVar:

NM_006208.3(ENPP1):c.*1299C>T

Gene: ENPP1 (ectonucleotide pyrophosphatase/phosphodiesterase 1; plus strand). Cytogenetic location: 6q23.2.
Variant type: single nucleotide variant.
Coding change: c.*1299C>T on transcript NM_006208.3 (MANE Select); 1299 bases downstream of the stop codon, C replaced by T.
Molecular consequence: 3 prime UTR variant.
Genome position (GRCh38, 1-based): chr6:131,891,810, C>T. VCF-style: chr6-131891810-C-T. GRCh37 (hg19) VCF-style: chr6-132212950-C-T.
Identifiers: ClinVar variation 355389 (VCV000355389.5), dbSNP rs11965061, ClinGen allele CA10625966.

ClinVar aggregate classification (germline): Benign. Review status: criteria provided, single submitter (1 of 4 stars). 2 submissions from 1 submitter: Benign (2). Last evaluated 2018-01-13.

Conditions:
Arterial calcification, generalized, of infancy, 1 (GACI1). Also called: Idiopathic Infantile Arterial Calcification. Identifiers: Orphanet 51608, MedGen C4551985, MONDO:0008817, OMIM 208000.
Hypophosphatemic rickets, autosomal recessive, 2 (ARHR2). Identifiers: Orphanet 289176, MedGen C2750078, MONDO:0013219, OMIM 613312.

Allele frequency attached by ClinVar (database versions not stated): 1000 Genomes Project 0.04413; 1000 Genomes Project 30x 0.04419; TOPMed 0.04821.

Submissions (2):

Illumina Laboratory Services, Illumina
Classification: Benign for Hypophosphatemic rickets, autosomal recessive, 2. Last evaluated: 2018-01-13. Review status: criteria provided, single submitter. Criteria: ICSL Variant Classification Criteria 13 December 2019. Collection method: clinical testing. Allele origin: germline.
Comment: This variant was observed in the ICSL laboratory as part of a predisposition screen in an ostensibly healthy population. It had not been previously curated by ICSL or reported in the Human Gene Mutation Database (HGMD: prior to June 1st, 2018), and was therefore a candidate for classification through an automated scoring system. Utilizing variant allele frequency, disease prevalence and penetrance estimates, and inheritance mode, an automated score was calculated to assess if this variant is too frequent to cause the disease. Based on the score and internal cut-off values, a variant classified as benign is not then subjected to further curation. The score for this variant resulted in a classification of benign for this disease.

Illumina Laboratory Services, Illumina
Classification: Benign for Arterial calcification, generalized, of infancy, 1. Last evaluated: 2018-01-13. Review status: criteria provided, single submitter. Criteria: ICSL Variant Classification Criteria 13 December 2019. Collection method: clinical testing. Allele origin: germline.
Comment: the same text as in the submission from Illumina Laboratory Services, Illumina above.